The following is an entry in ClinVar:

NM_001080409.3(ZNF99):c.1307G>A (p.Arg436His)

Gene: ZNF99 (zinc finger protein 99; minus strand). Cytogenetic location: 19p12.
Variant type: single nucleotide variant.
Coding change: c.1307G>A on transcript NM_001080409.3 (MANE Select); coding-DNA position 1307, G replaced by A.
Protein change: p.Arg436His; replaces arginine 436 with histidine.
Molecular consequence: missense variant.
Genome position (GRCh38, 1-based): chr19:22,758,602, C>T on the plus strand (G>A on the coding strand, the complement: ZNF99 is on the minus strand). VCF-style: chr19-22758602-C-T. GRCh37 (hg19) VCF-style: chr19-22941404-C-T.
Other names: short protein forms R436H.
Identifiers: ClinVar variation 2649656 (VCV002649656.24), dbSNP rs138536833, ClinGen allele CA9346134.

ClinVar aggregate classification (germline): Likely benign (1 of 4 stars; one submission).

Allele frequency attached by ClinVar (database versions not stated): gnomAD exomes 0.00025; ExAC 0.00058; 1000 Genomes Project 0.00180; 1000 Genomes Project 30x 0.00187; ESP Exome Variant Server 0.00192; gnomAD 0.00303.
gnomAD v4.1: 709 of 1,544,138 alleles (0.046%); highest among the groups gnomAD compares: African/African-American, 0.7%; 2 homozygotes.

Submission:

CeGaT Center for Human Genetics Tuebingen
Classification: Likely benign. Last evaluated: 2023-09-01. Review status: criteria provided, single submitter. Criteria: CeGaT Center For Human Genetics Tuebingen Variant Classification Criteria Version 2. Collection method: clinical testing. Allele origin: germline. Affected: yes. Observed: 2 variant alleles.
Comment: ZNF99: BP4